The following is an entry in ClinVar:

NM_000492.4(CFTR):c.1853T>C (p.Ile618Thr)

Gene: CFTR (CF transmembrane conductance regulator; plus strand). Cytogenetic location: 7q31.2.
Variant type: single nucleotide variant.
Coding change: c.1853T>C on transcript NM_000492.4 (MANE Select); coding-DNA position 1853, T replaced by C.
Protein change: p.Ile618Thr; replaces isoleucine 618 with threonine.
Molecular consequence: missense variant.
Genome position (GRCh38, 1-based): chr7:117,592,020, T>C. VCF-style: chr7-117592020-T-C. GRCh37 (hg19) VCF-style: chr7-117232074-T-C.
Other names: short protein forms I618T.
Identifiers: ClinVar variation 53404 (VCV000053404.41), dbSNP rs139468767, ClinGen allele CA221010.

ClinVar aggregate classification (germline): Pathogenic/Likely pathogenic. Review status: criteria provided, multiple submitters, no conflicts (2 of 4 stars). 16 submissions from 15 submitters: Pathogenic (6); Likely pathogenic (9). 1 of the submissions does not count toward it. Last evaluated 2026-01-20.

Conditions:
CFTR-related disorder (CFTR-RD). Also called: CFTR-related disorders; CFTR-related condition. Identifiers: MedGen C5924204, MONDO:7770004.
Cystic fibrosis (CF). Also called: MUCOVISCIDOSIS. Identifiers: Orphanet 586, MedGen C0010674, MONDO:0009061, OMIM 219700. Disease mechanism: loss of function.
Congenital bilateral aplasia of vas deferens from CFTR mutation (CBAVD). Identifiers: Orphanet 48, MedGen C0403814, MONDO:0010178, OMIM 277180. Disease mechanism: loss of function.
Hereditary pancreatitis (PCTT). Also called: Hereditary chronic pancreatitis; PRSS1-Related Hereditary Pancreatitis. Identifiers: Orphanet 676, MedGen C0238339, MONDO:0008185, OMIM 167800.
Bronchiectasis with or without elevated sweat chloride 1 (BESC1). Also called: Cystic Fibrosis-Like Syndrome. Identifiers: Orphanet 60033, MedGen C2749757, MONDO:0008887, OMIM 211400.

Allele frequency attached by ClinVar (database versions not stated): ExAC 0.00001; gnomAD exomes 0.00001 and 0.00002; TOPMed 0.00015; gnomAD 0.00014 and 0.00016; ESP Exome Variant Server 0.00015.
gnomAD v4.1: 31 of 1,593,202 alleles (0.0019%); highest among the groups gnomAD compares: African/African-American, 0.038%; no homozygotes.

Submissions 1 to 8 of 16:

Natera, Inc.
Classification: Likely pathogenic for CFTR-related disorders. Last evaluated: 2026-01-20. Review status: criteria provided, single submitter. Criteria: Natera Variant Classification Schema (03/2026). Collection method: clinical testing. Allele origin: germline.
Comment: The c.1853T>C variant in CFTR is a missense variant predicted to cause substitution of isoleucine to threonine at amino acid 618. This variant is rare in the general population with a frequency below the threshold expected for the associated phenotype(s). This variant has been observed in one or more individuals affected with the associated recessive disease, as either homozygous or compound heterozygous with a second variant (PMID: 36969284, 28712885, 23082198, 9736778, 36582049). Computational prediction algorithms indicate this variant is likely to affect gene or protein function. Given the available evidence, this variant is classified as Likely Pathogenic.

Labcorp Genetics (formerly Invitae), Labcorp
Classification: Pathogenic for Cystic fibrosis. Last evaluated: 2025-11-26. Review status: criteria provided, single submitter. Criteria: Invitae Variant Classification Sherloc (09022015). Collection method: clinical testing. Allele origin: germline.
Comment: This sequence change replaces isoleucine, which is neutral and non-polar, with threonine, which is neutral and polar, at codon 618 of the CFTR protein (p.Ile618Thr). This variant is present in population databases (rs139468767, gnomAD 0.04%). This missense change has been observed in individual(s) with cystic fibrosis (PMID: 9150159, 23857699; external communication, http//, internal data). In at least one individual the data is consistent with being in trans (on the opposite chromosome) from a pathogenic variant. This variant is also known as c.1985T>C. ClinVar contains an entry for this variant (Variation ID: 53404). Invitae Evidence Modeling of protein sequence and biophysical properties (such as structural, functional, and spatial information, amino acid conservation, physicochemical variation, residue mobility, and thermodynamic stability) indicates that this missense variant is expected to disrupt CFTR protein function with a positive predictive value of 80%. Experimental studies have shown that this missense change affects CFTR function (PMID: 9736778, 9822639). For these reasons, this variant has been classified as Pathogenic.

Ambry Genetics
Classification: Pathogenic for Cystic fibrosis. Last evaluated: 2025-03-20. Review status: criteria provided, single submitter. Criteria: Ambry Variant Classification Scheme 2023. Collection method: clinical testing. Allele origin: germline.
Comment: The p.I618T pathogenic mutation (also known as c.1853T>C), located in coding exon 14 of the CFTR gene, results from a T to C substitution at nucleotide position 1853. The isoleucine at codon 618 is replaced by threonine, an amino acid with similar properties. In a cohort of individuals diagnosed with cystic fibrosis, this variant was identified in one individual in conjunction with p.G542*; however, specific clinical details and the phase of the variants were not provided (Gon&ccedil;alves AC et al. J Pediatr (Rio J), 2018 May;pii: S0021-7557(17)31053-7). This variant has been reported in multiple individuals with an elevated sweat chloride level in The Clinical and Functional TRanslation of CFTR (CFTR2) database (available at CFTR2. Accessed 03/20/2025). In multiple assays testing CFTR function, this variant showed functionally abnormal results (Pasyk EA et al. J. Biol. Chem., 1998 Nov;273:31759-64; Vankeerberghen A et al. Hum. Mol. Genet., 1998 Oct;7:1761-9; Bihler H et al. J Cyst Fibros, 2024 Jul;23:664-675). This variant has <10% of wild type quantity and/or function in The Clinical and Functional TRanslation of CFTR (CFTR2) database (available at CFTR2. Accessed 03/20/2025). This amino acid position is well conserved in available vertebrate species. In addition, this alteration is predicted to be deleterious by in silico analysis. Based on the supporting evidence, this variant is interpreted as a disease-causing mutation.

Quest Diagnostics Nichols Institute San Juan Capistrano
Classification: Pathogenic. Last evaluated: 2024-11-06. Review status: criteria provided, single submitter. Criteria: Quest Diagnostics criteria. Collection method: clinical testing. Allele origin: unknown.
Comment: The CFTR c.1853T>C (p.Ile618Thr) variant has been associated with CF (PMID: 9150159 (1997), 30996306 (2019)) and non-classic CF (PMID: 23082198 (2012)) in the published literature. Functional studies indicate that this variant causes defective chloride transport (CFTR2), PMID: 9822639 (1998), 23082198 (2012)) and incomplete processing with the variant protein not maturing to the C-form (PMID: 9736778 (1998)). Therefore, the variant is classified as pathogenic.

ARUP Laboratories, Molecular Genetics and Genomics, ARUP Laboratories
Classification: Likely pathogenic for Cystic fibrosis; Bronchiectasis with or without elevated sweat chloride 1; Hereditary pancreatitis; Congenital bilateral aplasia of vas deferens from CFTR mutation. Last evaluated: 2024-09-05. Review status: criteria provided, single submitter. Criteria: ARUP Molecular Germline Variant Investigation Process 2024. Collection method: clinical testing. Allele origin: germline.
Comment: The CFTR c.1853T>C; p.Ile618Thr variant (rs139468767) is reported in the literature in multiple individuals affected with cystic fibrosis who also carry a pathogenic variant presumed to be on the opposite chromosome (Macek 1997, Marson 2012) and is considered to be a variant with varying clinical consequence (see CFTR2 database). This variant is reported in ClinVar (Variation ID: 53404), and is only observed on ten alleles in the Genome Aggregation Database (v2.1.1), indicating it is not a common polymorphism. Computational analyses predict that this variant is deleterious (REVEL: 0.9). Functional assays show reduced cell surface expression and channel function (Pasyk 1998, Vankeerberghen 1998). Based on available information, this variant is considered to be likely pathogenic with varying clinical consequence. References: CFTR2 Database: Macek M et al. Identification of common cystic fibrosis mutations in African-Americans with cystic fibrosis increases the detection rate to 75 percent. Am J Hum Genet. 1997 60(5):1122-7. PMID: 9150159. Marson FA et al. The ACE gene D/I polymorphism as a modulator of severity of cystic fibrosis. BMC Pulm Med. 2012 Aug 8;12:41. PMID: 22874010. Pasyk EA et al. A conserved region of the R domain of cystic fibrosis transmembrane conductance regulator is important in processing and function. J Biol Chem. 1998 Nov 27;273(48):31759-64. PMID: 9822639. Vankeerberghen A et al. Characterization of 19 disease-associated missense mutations in the regulatory domain of the cystic fibrosis transmembrane conductance regulator. Hum Mol Genet. 1998 7(11):1761-9. PMID: 9736778.

Fulgent Genetics
Classification: Likely pathogenic for Hereditary pancreatitis; Bronchiectasis with or without elevated sweat chloride 1; Cystic fibrosis; Congenital bilateral aplasia of vas deferens from CFTR mutation. Last evaluated: 2024-04-05. Review status: criteria provided, single submitter. Criteria: ACMG Guidelines, 2015. Collection method: clinical testing. Allele origin: germline.

Baylor Genetics
Classification: Likely pathogenic for Bronchiectasis with or without elevated sweat chloride 1. Last evaluated: 2024-03-27. Review status: criteria provided, single submitter. Criteria: ACMG Guidelines, 2015. Collection method: clinical testing. Allele origin: unknown.

Greenwood Genetic Center Diagnostic Laboratories, Greenwood Genetic Center
Classification: Likely pathogenic for Cystic fibrosis. Last evaluated: 2023-10-26. Review status: criteria provided, single submitter. Criteria: ACMG Guidelines, 2015. Collection method: clinical testing. Allele origin: germline. Affected: yes.
Comment: PS3, PM2, PM3, PP3